The following is an entry in ClinVar:

ClinVar aggregate classification (germline): Uncertain significance (1 of 4 stars; one submission).

Submission:

Labcorp Genetics (formerly Invitae), Labcorp
Classification: Uncertain significance. Last evaluated: 2022-02-18. Review status: criteria provided, single submitter. Criteria: Invitae Variant Classification Sherloc (09022015). Collection method: clinical testing. Allele origin: germline.
Comment: In summary, the available evidence is currently insufficient to determine the role of this variant in disease. Therefore, it has been classified as a Variant of Uncertain Significance. Algorithms developed to predict the effect of missense changes on protein structure and function are either unavailable or do not agree on the potential impact of this missense change (SIFT: "Tolerated"; PolyPhen-2: "Probably Damaging"; Align-GVGD: "Class C0"). This variant has not been reported in the literature in individuals affected with KAT6A-related conditions. This variant is not present in population databases (gnomAD no frequency). This sequence change replaces glutamine, which is neutral and polar, with histidine, which is basic and polar, at codon 308 of the KAT6A protein (p.Gln308His).

NM_006766.5(KAT6A):c.924A>T (p.Gln308His)

Gene: KAT6A (lysine acetyltransferase 6A; minus strand). Cytogenetic location: 8p11.21.
Variant type: single nucleotide variant.
Coding change: c.924A>T on transcript NM_006766.5 (MANE Select); coding-DNA position 924, A replaced by T.
Protein change: p.Gln308His; replaces glutamine 308 with histidine.
Molecular consequence: missense variant.
Genome position (GRCh38, 1-based): chr8:41,978,761, T>A on the plus strand (A>T on the coding strand, the complement: KAT6A is on the minus strand). VCF-style: chr8-41978761-T-A. GRCh37 (hg19) VCF-style: chr8-41836279-T-A.
Other names: c.924A>T, p.Gln308His (NM_001305878.2); short protein forms Q308H.
Identifiers: ClinVar variation 2098745 (VCV002098745.4), dbSNP rs1587773616, ClinGen allele CA371076828.
Genomic context (GRCh38, chr8:41,978,761, plus strand): 5'-TTTTATCTGTGCTGCCTTCTTTTGTAGAAGTTTTCGTCCTTTTTTCCTAGGTCGACATAT[T>A]TGACATATCCACATGCCTATAAAAAAATAAAATTCCACATAGAAGTGTGACAGACATAAA-3'
Protein context (NP_006757.2, residues 298-318): TRMPKGMWIC[Gln308His]ICRPRKKGRK